The following is an entry in ClinVar:

NM_001018115.3(FANCD2):c.723_737delinsTTCAAGCCTCCGACTTGACCCAAACTTCCTATTGAAGGTAGAAAAGCCTCCGACTGGATGTC (p.Thr242fs)

Genes: FANCD2 (FA complementation group D2; plus strand), LOC107303338 (3p25 FANCD2 Alu-mediated recombination region; plus strand). Cytogenetic location: 3p25.3.
Variant type: Indel.
Coding change: c.723_737delinsTTCAAGCCTCCGACTTGACCCAAACTTCCTATTGAAGGTAGAAAAGCCTCCGACTGGATGTC on transcript NM_001018115.3 (MANE Select); coding-DNA positions 723 to 737, the reference bases replaced by an inserted sequence.
Protein change: p.Thr242fs; shifts the reading frame from threonine 242.
Molecular consequence: frameshift variant.
Genome position (GRCh38, 1-based): chr3:10,041,650-10,041,664, 15 bases replaced. GRCh37 (hg19): chr3:10,083,334-10,083,348.
Other names: c.723_737delinsTTCAAGCCTCCGACTTGACCCAAACTTCCTATTGAAGGTAGAAAAGCCTCCGACTGGATGTC, p.Thr242fs (NM_001319984.2, NM_001374253.1, NM_001374254.1 and 1 more transcripts); short protein forms T242fs.
Identifiers: ClinVar variation 2745987 (VCV002745987.3), dbSNP rs2470748827, ClinGen allele CA2697550683.

ClinVar aggregate classification (germline): Pathogenic (1 of 4 stars; one submission).

Conditions:
Fanconi anemia (FA). Also called: Fanconi's anemia. Identifiers: Orphanet 84, MedGen C0015625, MeSH D005199, MONDO:0019391.

Submission:

Labcorp Genetics (formerly Invitae), Labcorp
Classification: Pathogenic for Fanconi anemia. Last evaluated: 2023-07-23. Review status: criteria provided, single submitter. Criteria: Invitae Variant Classification Sherloc (09022015). Collection method: clinical testing. Allele origin: germline.
Comment: For these reasons, this variant has been classified as Pathogenic. This variant has not been reported in the literature in individuals affected with FANCD2-related conditions. This variant is not present in population databases (gnomAD no frequency). This sequence change creates a premature translational stop signal (p.Thr242Serfs*35) in the FANCD2 gene. It is expected to result in an absent or disrupted protein product. Loss-of-function variants in FANCD2 are known to be pathogenic (PMID: 17436244).

Literature cited by the submitters: PubMed 17436244.